The following is an entry in ClinVar:

NM_025114.4(CEP290):c.6459dup (p.Ala2154fs)

Gene: CEP290 (centrosomal protein 290; minus strand). Cytogenetic location: 12q21.32.
Variant type: Duplication.
Coding change: c.6459dup on transcript NM_025114.4 (MANE Select); coding-DNA position 6459, one base duplicated (A; older notation c.6459dupA).
Protein change: p.Ala2154fs; shifts the reading frame from alanine 2154.
Molecular consequence: frameshift variant.
Genome position (GRCh38, 1-based): chr12:88,060,893, T duplicated on the plus strand (A on the coding strand, the reverse complement: CEP290 is on the minus strand); the first of 6 consecutive T bases (chr12:88,060,893-88,060,898); duplicating any one gives the same sequence. VCF-style (leftmost placement, unchanged base first): chr12-88060892-C-CT. GRCh37 (hg19) VCF-style: chr12-88454669-C-CT.
Other names: short protein forms A2154fs.
Identifiers: ClinVar variation 5014464 (VCV005014464.1).

ClinVar aggregate classification (germline): Pathogenic (1 of 4 stars; one submission).

Conditions:
CEP290-related ciliopathy. Also called: CEP290 ciliopathy. Identifiers: MedGen CN305601, MONDO:0100451.

Submission:

Myriad Genetics, Inc.
Classification: Pathogenic for CEP290-related ciliopathy. Last evaluated: 2025-05-17. Review status: criteria provided, single submitter. Criteria: Myriad Autosomal Dominant, Autosomal Recessive and X-Linked Classification Criteria (2023). Collection method: clinical testing. Allele origin: unknown.
Comment: NM_025114.3(CEP290):c.6459dupA(A2154Sfs*7) is expected to be pathogenic in the context of CEP290-related disorders. This variant is predicted to lead to an abnormal or absent protein product due to the creation of a premature termination codon in CEP290, a gene where loss-of-function variants are known to be pathogenic. Please note: this variant was assessed in the context of healthy population screening.